The following is an entry in ClinVar:

NM_000051.4(ATM):c.1394_1395del (p.Cys465fs)

Gene: ATM (ATM serine/threonine kinase; plus strand). Cytogenetic location: 11q22.3.
Variant type: Microsatellite.
Coding change: c.1394_1395del on transcript NM_000051.4 (MANE Select); coding-DNA positions 1394 to 1395, 2 bases deleted (GT; older notation c.1394_1395delGT).
Protein change: p.Cys465fs; shifts the reading frame from cysteine 465.
Molecular consequence: frameshift variant.
Genome position (GRCh38, 1-based): chr11:108,250,859-108,250,860, GT deleted; deleting any 2 consecutive bases within chr11:108,250,856-108,250,860 gives the same sequence; the c. name uses the placement nearest the transcript's 3' end. VCF-style (leftmost placement, unchanged base first): chr11-108250855-TTG-T. GRCh37 (hg19) VCF-style: chr11-108121582-TTG-T.
Other names: c.1394_1395del, p.Cys465fs (NM_001351834.2); c.1394_1395delGT (NM_000051.3); short protein forms C465fs.
Identifiers: ClinVar variation 232605 (VCV000232605.5), dbSNP rs876659866, ClinGen allele CA10579007.

ClinVar aggregate classification (germline): Pathogenic (1 of 4 stars; one submission).

Conditions:
Hereditary cancer-predisposing syndrome. Also called: Neoplastic Syndromes, Hereditary; Tumor predisposition; Hereditary Cancer Syndrome; Hereditary neoplastic syndrome. Identifiers: Orphanet 140162, MedGen C0027672, MeSH D009386, MONDO:0015356.

Submission:

Ambry Genetics
Classification: Pathogenic for Hereditary cancer-predisposing syndrome. Last evaluated: 2015-06-26. Review status: criteria provided, single submitter. Criteria: Ambry Variant Classification Scheme 2023. Collection method: clinical testing. Allele origin: germline.
Comment: The c.1394_1395delGT pathogenic mutation, located in coding exon 9 of the ATM gene, results from a deletion of two nucleotides at nucleotide positions 1394 and 1395, causing a translational frameshift with a predicted alternate stop codon. Since frameshifts are typically deleterious in nature, this alteration is interpreted as a disease-causing mutation (ACMG Recommendations for Standards for Interpretation and Reporting of Sequence Variations. Revision 2007. Genet Med. 2008;10:294).